The following is an entry in ClinVar:

ClinVar aggregate classification (germline): Conflicting classifications of pathogenicity. Review status: criteria provided, conflicting classifications (1 of 4 stars). 7 submissions from 7 submitters: Uncertain significance (5); Likely benign (1). 1 of the submissions does not count toward it. Last evaluated 2025-12-23.

Conditions:
RP1-related disorder. Also called: RP1-related condition.
Retinal dystrophy. Also called: Inherited retinal dystrophy. Identifiers: Orphanet 71862, MedGen C0854723, MeSH D058499, MONDO:0019118, HP:0000556.
Retinitis pigmentosa (RP). Identifiers: Orphanet 791, MedGen C0035334, MeSH D012174, MONDO:0019200, OMIM 268000. Inheritance: Autosomal dominant, autosomal recessive and X linked inheritance.

Allele frequency attached by ClinVar (database versions not stated): gnomAD 0.00015 and 0.00016; gnomAD exomes 0.00016; ExAC 0.00018; TOPMed 0.00018; 1000 Genomes Project 30x 0.00031; ESP Exome Variant Server 0.00031.
gnomAD v4.1: 377 of 1,614,050 alleles (0.023%); highest among the groups gnomAD compares: Non-Finnish European, 0.029%; no homozygotes.

Submissions (7):

Labcorp Genetics (formerly Invitae), Labcorp
Classification: Uncertain significance. Last evaluated: 2025-12-23. Review status: criteria provided, single submitter. Criteria: Invitae Variant Classification Sherloc (09022015). Collection method: clinical testing. Allele origin: germline.
Comment: This sequence change replaces histidine, which is basic and polar, with leucine, which is neutral and non-polar, at codon 1034 of the RP1 protein (p.His1034Leu). This variant is present in population databases (rs148296108, gnomAD 0.03%). This missense change has been observed in individual(s) with retinitis pigmentosa (PMID: 30718709, 37734845). ClinVar contains an entry for this variant (Variation ID: 636198). An algorithm developed to predict the effect of missense changes on protein structure and function (PolyPhen-2) suggests that this variant is likely to be tolerated. In summary, the available evidence is currently insufficient to determine the role of this variant in disease. Therefore, it has been classified as a Variant of Uncertain Significance.

PreventionGenetics, part of Exact Sciences
Classification: Uncertain significance for RP1-related condition. Last evaluated: 2025-07-28. Review status: criteria provided, single submitter. Criteria: ACMG Guidelines, 2015. Collection method: clinical testing. Allele origin: germline.
Comment: The RP1 c.3101A>T variant is predicted to result in the amino acid substitution p.His1034Leu. This variant has been reported along with the c.5805T>G (p.Phe1935Leu) variant in individuals with retinitis disease (supplemental data, Jespersgaard et al. 2019. PubMed ID: 30718709; Table S1, Weisschuh et al. 2024. PubMed ID: 37734845). This variant is present in 0.027% of alleles in individuals of European (Non-Finnish) descent in gnomAD. The variant co-occurrence tool indicates that this variant is likely to be a part of the same haplotype with the c.5805T>G (p.Phe1935Leu) variant. At this time, the clinical significance of this variant is uncertain due to the absence of conclusive functional and genetic evidence.

Blueprint Genetics
Classification: Uncertain significance. Last evaluated: 2024-09-30. Review status: criteria provided, single submitter. Criteria: ACMG Guidelines, 2015. Collection method: clinical testing. Allele origin: germline.

Institute of Human Genetics, Univ. Regensburg, Univ. Regensburg
Classification: Uncertain significance for Retinal dystrophy. Last evaluated: 2019-01-01. Review status: criteria provided, single submitter. Criteria: ACMG Guidelines, 2015. Collection method: clinical testing. Allele origin: germline. Affected: yes.

Illumina Laboratory Services, Illumina
Classification: Uncertain significance for Retinitis pigmentosa. Last evaluated: 2017-04-27. Review status: criteria provided, single submitter. Criteria: ICSL Variant Classification Criteria 13 December 2019. Collection method: clinical testing. Allele origin: germline.

GeneDx
Classification: Likely benign. Last evaluated: 2015-03-03. Review status: criteria provided, single submitter. Criteria: GeneDx Variant Classification Process June 2021. Collection method: clinical testing. Allele origin: germline. Affected: yes.
Comment: See Variant Classification Assertion Criteria.

Department of Clinical Genetics, Copenhagen University Hospital, Rigshospitalet
Classification: Uncertain significance for Retinitis pigmentosa. Last evaluated: 2018-04-01. Review status: no assertion criteria provided. Collection method: research. Allele origin: unknown. Affected: yes. Study: VeluxRD. Not counted in ClinVar's aggregate classification.

Literature cited by the submitters: PubMed 30718709 (cited by 3 submitters); PubMed 37734845 (cited by Labcorp Genetics (formerly Invitae), Labcorp).

NM_006269.2(RP1):c.3101A>T (p.His1034Leu)

Gene: RP1 (RP1 axonemal microtubule associated; plus strand). Cytogenetic location: 8q12.1.
Variant type: single nucleotide variant.
Coding change: c.3101A>T on transcript NM_006269.2 (MANE Select); coding-DNA position 3101, A replaced by T.
Protein change: p.His1034Leu; replaces histidine 1034 with leucine.
Molecular consequence: missense variant.
Genome position (GRCh38, 1-based): chr8:54,626,983, A>T. VCF-style: chr8-54626983-A-T. GRCh37 (hg19) VCF-style: chr8-55539543-A-T.
Other names: short protein forms H1034L.
Identifiers: ClinVar variation 636198 (VCV000636198.17), dbSNP rs148296108, ClinGen allele CA4751641.